The following is an entry in ClinVar:

NM_000541.5(SAG):c.806A>G (p.Gln269Arg)

Gene: SAG (S-antigen visual arrestin; plus strand). Cytogenetic location: 2q37.1.
Variant type: single nucleotide variant.
Coding change: c.806A>G on transcript NM_000541.5 (MANE Select); coding-DNA position 806, A replaced by G.
Protein change: p.Gln269Arg; replaces glutamine 269 with arginine.
Molecular consequence: missense variant.
Genome position (GRCh38, 1-based): chr2:233,331,712, A>G. VCF-style: chr2-233331712-A-G. GRCh37 (hg19) VCF-style: chr2-234240358-A-G.
Other names: short protein forms Q269R.
Identifiers: ClinVar variation 3606505 (VCV003606505.3).
Genomic context (GRCh38, chr2:233,331,712, plus strand): 5'-CCAATGTGGTTCTCTACTCGAGTGATTATTACGTCAAGCCCGTGGCTATGGAGGAAGCGC[A>G]GTGAGTAGCTGTTGGGGTTTCCGTTTCCTGGGCGTCTCAGCCTTCTGTGTCAAGTTTCTC-3'
Protein context (NP_000532.2, residues 259-279): YVKPVAMEEA[Gln269Arg]EKVPPNSTLT

ClinVar aggregate classification (germline): Uncertain significance. Review status: criteria provided, multiple submitters, no conflicts (2 of 4 stars). 2 submissions from 2 submitters: Uncertain significance (2). Last evaluated 2024-03-15.

Submissions (2):

Labcorp Genetics (formerly Invitae), Labcorp
Classification: Uncertain significance. Last evaluated: 2024-03-15. Review status: criteria provided, single submitter. Criteria: Invitae Variant Classification Sherloc (09022015). Collection method: clinical testing. Allele origin: germline.
Comment: This sequence change replaces glutamine, which is neutral and polar, with arginine, which is basic and polar, at codon 269 of the SAG protein (p.Gln269Arg). This variant is not present in population databases (gnomAD no frequency). This variant has not been reported in the literature in individuals affected with SAG-related conditions. An algorithm developed to predict the effect of missense changes on protein structure and function (PolyPhen-2) suggests that this variant is likely to be tolerated. In summary, the available evidence is currently insufficient to determine the role of this variant in disease. Therefore, it has been classified as a Variant of Uncertain Significance.

Blueprint Genetics
Classification: Uncertain significance. Last evaluated: 2024-02-26. Review status: criteria provided, single submitter. Criteria: ACMG Guidelines, 2015. Collection method: clinical testing. Allele origin: germline.